The following is an entry in ClinVar:

ClinVar aggregate classification (germline): Likely benign. Review status: criteria provided, multiple submitters, no conflicts (2 of 4 stars). 4 submissions from 4 submitters: Likely benign (3). 1 of the submissions does not count toward it. Last evaluated 2025-10-15.

Conditions:
CEP250-related disorder. Also called: CEP250-related condition.

Allele frequency attached by ClinVar (database versions not stated): gnomAD 0.00016 and 0.00019; gnomAD exomes 0.00017; ExAC 0.00018; TOPMed 0.00023; 1000 Genomes Project 30x 0.00047; 1000 Genomes Project 0.00060.
gnomAD v4.1: 177 of 1,551,680 alleles (0.011%); highest among the groups gnomAD compares: Middle Eastern, 0.067%; no homozygotes.

Submissions (4):

Labcorp Genetics (formerly Invitae), Labcorp
Classification: Likely benign. Last evaluated: 2025-10-15. Review status: criteria provided, single submitter. Criteria: Invitae Variant Classification Sherloc (09022015). Collection method: clinical testing. Allele origin: germline.

Blueprint Genetics
Classification: Likely benign. Last evaluated: 2024-08-12. Review status: criteria provided, single submitter. Criteria: ACMG Guidelines, 2015. Collection method: clinical testing. Allele origin: germline.

Breakthrough Genomics
Classification: Likely benign. Review status: criteria provided, single submitter. Criteria: ACMG Guidelines, 2015. Collection method: not provided. Allele origin: germline. Inheritance: Autosomal recessive inheritance. Affected: yes.

PreventionGenetics, part of Exact Sciences
Classification: Likely benign for CEP250-related condition. Last evaluated: 2020-01-10. Review status: no assertion criteria provided. Collection method: clinical testing. Allele origin: germline. Not counted in ClinVar's aggregate classification.
Comment: This variant is classified as likely benign based on ACMG/AMP sequence variant interpretation guidelines (Richards et al. 2015 PMID: 25741868, with internal and published modifications).

NM_007186.6(CEP250):c.6637-9G>A

Gene: CEP250 (centrosomal protein 250; plus strand). Cytogenetic location: 20q11.22.
Variant type: single nucleotide variant.
Coding change: c.6637-9G>A on transcript NM_007186.6 (MANE Select); 9 bases into the intron before coding-DNA position 6637, G replaced by A.
Molecular consequence: intron variant.
Genome position (GRCh38, 1-based): chr20:35,507,729, G>A. VCF-style: chr20-35507729-G-A. GRCh37 (hg19) VCF-style: chr20-34095558-G-A.
Other names: c.4741-9G>A (NM_001318219.1); c.6637-9G>A (NM_007186.5).
Identifiers: ClinVar variation 1104366 (VCV001104366.13), dbSNP rs145557638, ClinGen allele CA9834121.